The following is an entry in ClinVar:

ClinVar aggregate classification (germline): Uncertain significance (1 of 4 stars; one submission).

Conditions:
Multiple congenital anomalies-hypotonia-seizures syndrome 1 (MCAHS1). Also called: PIGN-CDG; Congenital disorder of glycosylation due to PIGN deficiency; GLYCOSYLPHOSPHATIDYLINOSITOL BIOSYNTHESIS DEFECT 3. Identifiers: Orphanet 280633, MedGen C3279775, MONDO:0013563, OMIM 614080.

Allele frequency attached by ClinVar (database versions not stated): gnomAD exomes below 0.00001 and 0.00001; gnomAD 0.00001; TOPMed 0.00001.
gnomAD v4.1: 9 of 1,589,914 alleles (0.00057%); highest among the groups gnomAD compares: East Asian, 0.013%; no homozygotes.

Submission:

Labcorp Genetics (formerly Invitae), Labcorp
Classification: Uncertain significance for Multiple congenital anomalies-hypotonia-seizures syndrome 1. Last evaluated: 2021-08-19. Review status: criteria provided, single submitter. Criteria: Invitae Variant Classification Sherloc (09022015). Collection method: clinical testing. Allele origin: germline.
Comment: This sequence change replaces phenylalanine with leucine at codon 145 of the PIGN protein (p.Phe145Leu). The phenylalanine residue is highly conserved and there is a small physicochemical difference between phenylalanine and leucine. This variant is not present in population databases (ExAC no frequency). This variant has not been reported in the literature in individuals affected with PIGN-related conditions. Algorithms developed to predict the effect of missense changes on protein structure and function are either unavailable or do not agree on the potential impact of this missense change (SIFT: "Not Available"; PolyPhen-2: "Probably Damaging"; Align-GVGD: "Not Available"). In summary, the available evidence is currently insufficient to determine the role of this variant in disease. Therefore, it has been classified as a Variant of Uncertain Significance.

NM_176787.5(PIGN):c.433T>C (p.Phe145Leu)

Gene: PIGN (phosphatidylinositol glycan anchor biosynthesis class N; minus strand). Cytogenetic location: 18q21.33.
Variant type: single nucleotide variant.
Coding change: c.433T>C on transcript NM_176787.5 (MANE Select); coding-DNA position 433, T replaced by C.
Protein change: p.Phe145Leu; replaces phenylalanine 145 with leucine.
Molecular consequence: missense variant.
Genome position (GRCh38, 1-based): chr18:62,157,138, A>G on the plus strand (T>C on the coding strand, the complement: PIGN is on the minus strand). VCF-style: chr18-62157138-A-G. GRCh37 (hg19) VCF-style: chr18-59824371-A-G.
Other names: c.433T>C, p.Phe145Leu (NM_012327.6); short protein forms F145L.
Identifiers: ClinVar variation 1476538 (VCV001476538.3), dbSNP rs879837156, ClinGen allele CA301694253.